The following is an entry in ClinVar:

ClinVar aggregate classification (germline): Uncertain significance (1 of 4 stars; one submission).

Submission:

Labcorp Genetics (formerly Invitae), Labcorp
Classification: Uncertain significance. Last evaluated: 2022-08-06. Review status: criteria provided, single submitter. Criteria: Invitae Variant Classification Sherloc (09022015). Collection method: clinical testing. Allele origin: germline.
Comment: In summary, the available evidence is currently insufficient to determine the role of this variant in disease. Therefore, it has been classified as a Variant of Uncertain Significance. Algorithms developed to predict the effect of sequence changes on RNA splicing suggest that this variant may disrupt the consensus splice site. This variant has not been reported in the literature in individuals affected with PLK4-related conditions. This variant is not present in population databases (gnomAD no frequency). This sequence change falls in intron 10 of the PLK4 gene. It does not directly change the encoded amino acid sequence of the PLK4 protein.

NM_014264.5(PLK4):c.2189-6_2189-3del

Gene: PLK4 (polo like kinase 4; plus strand). Cytogenetic location: 4q28.1.
Variant type: Deletion.
Coding change: c.2189-6_2189-3del on transcript NM_014264.5 (MANE Select); 6 bases into the intron before coding-DNA position 2189 through 3 bases into the intron before coding-DNA position 2189, 4 bases deleted (TTTT; older notation c.2189-6_2189-3delTTTT).
Molecular consequence: intron variant.
Genome position (GRCh38, 1-based): chr4:127,893,279-127,893,282, TTTT deleted; deleting any 4 consecutive bases within chr4:127,893,271-127,893,282 gives the same sequence; the c. name uses the placement nearest the transcript's 3' end. VCF-style (leftmost placement, unchanged base first): chr4-127893270-ATTTT-A. GRCh37 (hg19) VCF-style: chr4-128814425-ATTTT-A.
Other names: c.2093-6_2093-3del (NM_001190799.2); c.2066-6_2066-3del (NM_001190801.2).
Identifiers: ClinVar variation 1908469 (VCV001908469.3), dbSNP rs57995643, ClinGen allele CA3076984.